The following is an entry in ClinVar:

ClinVar aggregate classification (germline): Uncertain significance (1 of 4 stars; one submission).

Conditions:
Mucopolysaccharidosis type 1. Also called: IDUA deficiency; MPS I; Mucopolysaccharidosis Type I. Identifiers: Orphanet 579, MedGen C0023786, MONDO:0001586.

gnomAD v4.1: 6 of 1,512,246 alleles (0.0004%); highest among the groups gnomAD compares: Admixed American, 0.002%; no homozygotes.

Submission:

Labcorp Genetics (formerly Invitae), Labcorp
Classification: Uncertain significance for Mucopolysaccharidosis type 1. Last evaluated: 2024-08-29. Review status: criteria provided, single submitter. Criteria: Invitae Variant Classification Sherloc (09022015). Collection method: clinical testing. Allele origin: germline.
Comment: This sequence change replaces glycine, which is neutral and non-polar, with serine, which is neutral and polar, at codon 51 of the IDUA protein (p.Gly51Ser). This variant is not present in population databases (gnomAD no frequency). This variant has not been reported in the literature in individuals affected with IDUA-related conditions. Invitae Evidence Modeling of protein sequence and biophysical properties (such as structural, functional, and spatial information, amino acid conservation, physicochemical variation, residue mobility, and thermodynamic stability) has been performed for this missense variant. However, the output from this modeling did not meet the statistical confidence thresholds required to predict the impact of this variant on IDUA protein function. This variant disrupts the p.Gly51 amino acid residue in IDUA. Other variant(s) that disrupt this residue have been determined to be pathogenic (PMID: 7951228, 9427149, 12203999, 19839758, 21394825). This suggests that this residue is clinically significant, and that variants that disrupt this residue are likely to be disease-causing. In summary, the available evidence is currently insufficient to determine the role of this variant in disease. Therefore, it has been classified as a Variant of Uncertain Significance.

Literature cited by the submitters: PubMed 7951228; PubMed 9427149; PubMed 12203999; PubMed 19839758; PubMed 21394825.

NM_000203.5(IDUA):c.151G>A (p.Gly51Ser)

Genes: IDUA (alpha-L-iduronidase; plus strand), SLC26A1 (solute carrier family 26 member 1; minus strand). Cytogenetic location: 4p16.3.
Variant type: single nucleotide variant.
Coding change: c.151G>A on transcript NM_000203.5 (MANE Select); coding-DNA position 151, G replaced by A.
Protein change: p.Gly51Ser; replaces glycine 51 with serine.
Molecular consequence: missense variant. On other transcripts: non-coding transcript variant (1), intron variant (1).
Genome position (GRCh38, 1-based): chr4:987,235, G>A. VCF-style: chr4-987235-G-A. GRCh37 (hg19) VCF-style: chr4-981023-G-A.
Other names: c.576+3893C>T (NM_134425.4); short protein forms G51S.
Identifiers: ClinVar variation 3616549 (VCV003616549.2).